The following is an entry in ClinVar:

ClinVar aggregate classification (germline): Uncertain significance (1 of 4 stars; one submission).

Conditions:
Hereditary cancer-predisposing syndrome. Also called: Neoplastic Syndromes, Hereditary; Hereditary neoplastic syndrome; Tumor predisposition; Hereditary Cancer Syndrome. Identifiers: Orphanet 140162, MedGen C0027672, MeSH D009386, MONDO:0015356.

Submission:

Ambry Genetics
Classification: Uncertain significance for Hereditary cancer-predisposing syndrome. Last evaluated: 2025-09-25. Review status: criteria provided, single submitter. Criteria: Ambry Variant Classification Scheme 2023. Collection method: clinical testing. Allele origin: germline.
Comment: The p.G168S variant (also known as c.502G>A), located in coding exon 4 of the CTNNA1 gene, results from a G to A substitution at nucleotide position 502. The glycine at codon 168 is replaced by serine, an amino acid with similar properties. This amino acid position is conserved. In addition, the in silico prediction for this alteration is inconclusive. Since supporting evidence is limited at this time, the clinical significance of this alteration remains unclear.

NM_001903.5(CTNNA1):c.502G>A (p.Gly168Ser)

Gene: CTNNA1 (catenin alpha 1; plus strand). Cytogenetic location: 5q31.2.
Variant type: single nucleotide variant.
Coding change: c.502G>A on transcript NM_001903.5 (MANE Select); coding-DNA position 502, G replaced by A.
Protein change: p.Gly168Ser; replaces glycine 168 with serine.
Molecular consequence: missense variant.
Genome position (GRCh38, 1-based): chr5:138,812,216, G>A. VCF-style: chr5-138812216-G-A. GRCh37 (hg19) VCF-style: chr5-138147905-G-A.
Other names: c.502G>A, p.Gly168Ser (NM_001290307.3, NM_001323982.2, NM_001323983.1 and 3 more transcripts); c.193G>A, p.Gly65Ser (NM_001290309.3); c.133G>A, p.Gly45Ser (NM_001290310.3); short protein forms G45S, G65S, G168S.
Identifiers: ClinVar variation 2496949 (VCV002496949.3), dbSNP rs2532348474, ClinGen allele CA361125094.